The following is an entry in ClinVar:

ClinVar aggregate classification (germline): Likely benign (0 of 4 stars; one submission).

Conditions:
ASPM-related disorder. Also called: ASPM-related condition.

Submission:

PreventionGenetics, part of Exact Sciences
Classification: Likely benign for ASPM-related condition. Last evaluated: 2021-04-02. Review status: no assertion criteria provided. Collection method: clinical testing. Allele origin: germline.
Comment: This variant is classified as likely benign based on ACMG/AMP sequence variant interpretation guidelines (Richards et al. 2015 PMID: 25741868, with internal and published modifications).

NM_018136.5(ASPM):c.9087A>G (p.Arg3029=)

Gene: ASPM (assembly factor for spindle microtubules; minus strand). Cytogenetic location: 1q31.3.
Variant type: single nucleotide variant.
Coding change: c.9087A>G on transcript NM_018136.5 (MANE Select); coding-DNA position 9087, A replaced by G.
Protein change: p.Arg3029=; no amino-acid change (arginine 3029 retained).
Molecular consequence: synonymous variant.
Genome position (GRCh38, 1-based): chr1:197,093,259, T>C on the plus strand (A>G on the coding strand, the complement: ASPM is on the minus strand). VCF-style: chr1-197093259-T-C. GRCh37 (hg19) VCF-style: chr1-197062389-T-C.
Other names: c.4332A>G, p.Arg1444= (NM_001206846.2).
Identifiers: ClinVar variation 3030764 (VCV003030764.2), dbSNP rs2527270503, ClinGen allele CA422673269.